The following is an entry in ClinVar:

NM_000441.2(SLC26A4):c.1607_1609delinsCC (p.Tyr536fs)

Gene: SLC26A4 (solute carrier family 26 member 4; plus strand). Cytogenetic location: 7q22.3.
Variant type: Indel.
Coding change: c.1607_1609delinsCC on transcript NM_000441.2 (MANE Select); coding-DNA positions 1607 to 1609, ACA replaced by CC.
Protein change: p.Tyr536fs; shifts the reading frame from tyrosine 536.
Molecular consequence: frameshift variant.
Genome position (GRCh38, 1-based): chr7:107,698,104-107,698,106, ACA replaced by CC. VCF-style: chr7-107698104-ACA-CC. GRCh37 (hg19) VCF-style: chr7-107338549-ACA-CC.
Other names: short protein forms Y536fs.
Identifiers: ClinVar variation 5013992 (VCV005013992.1).
Genomic context (GRCh38, chr7:107,698,104, plus strand): 5'-CTTCTTGGAATGGCCTTGGAAGCATCCCTAGCACAGATATCTACAAAAGTACCAAGAATT[ACA>CC]AAAACGTAAGTACCTTTGTGAGACATTTGCTGGACTTGGGTTTACTAGCCTGAAGTTTCA-3'

ClinVar aggregate classification (germline): Pathogenic (1 of 4 stars; one submission).

Conditions:
Pendred syndrome (PDS). Also called: Pendred Syndrome (PDS); DEAFNESS WITH GOITER; GOITER-DEAFNESS SYNDROME; HYPOTHYROIDISM, CONGENITAL, DUE TO DYSHORMONOGENESIS, 2B; THYROID DYSHORMONOGENESIS 2B; THYROID HORMONOGENESIS, GENETIC DEFECT IN, 2B. Identifiers: Orphanet 705, MedGen C0271829, MONDO:0010134, OMIM 274600.

Submission:

Myriad Genetics, Inc.
Classification: Pathogenic for Pendred syndrome. Last evaluated: 2025-01-20. Review status: criteria provided, single submitter. Criteria: Myriad Autosomal Dominant, Autosomal Recessive and X-Linked Classification Criteria (2023). Collection method: clinical testing. Allele origin: unknown.
Comment: NM_000441.1(SLC26A4):c.1607_1609delACAinsCC(Y536Sfs*10) is expected to be pathogenic in the context of Pendred syndrome. This variant is predicted to lead to an abnormal or absent protein product due to the creation of a premature termination codon in SLC26A4, a gene where loss-of-function variants are known to be pathogenic. Please note: this variant was assessed in the context of healthy population screening.